The following is an entry in ClinVar:

ClinVar aggregate classification (germline): Uncertain significance (1 of 4 stars; one submission).

Conditions:
Neurofibromatosis, type 1 (NF1). Also called: NEUROFIBROMATOSIS, TYPE I, SOMATIC; Peripheral type neurofibromatosis; Neurofibromatosis, type I; VON RECKLINGHAUSEN DISEASE. Identifiers: Orphanet 636, MedGen C0027831, MONDO:0018975, OMIM 162200. Disease mechanism: loss of function.

Submission:

Labcorp Genetics (formerly Invitae), Labcorp
Classification: Uncertain significance for Neurofibromatosis, type 1. Last evaluated: 2021-03-13. Review status: criteria provided, single submitter. Criteria: Invitae Variant Classification Sherloc (09022015). Collection method: clinical testing. Allele origin: germline.
Comment: In summary, the available evidence is currently insufficient to determine the role of this variant in disease. Therefore, it has been classified as a Variant of Uncertain Significance. This sequence change replaces leucine with histidine at codon 2373 of the NF1 protein (p.Leu2373His). The leucine residue is moderately conserved and there is a moderate physicochemical difference between leucine and histidine. This variant is not present in population databases (ExAC no frequency). This variant has not been reported in the literature in individuals with NF1-related conditions. Advanced modeling of protein sequence and biophysical properties (such as structural, functional, and spatial information, amino acid conservation, physicochemical variation, residue mobility, and thermodynamic stability) performed at Invitae indicates that this missense variant is expected to disrupt NF1 protein function.

NM_001042492.3(NF1):c.7181T>A (p.Leu2394His)

Gene: NF1 (neurofibromin 1; plus strand). Cytogenetic location: 17q11.2.
Variant type: single nucleotide variant.
Coding change: c.7181T>A on transcript NM_001042492.3 (MANE Select); coding-DNA position 7181, T replaced by A.
Protein change: p.Leu2394His; replaces leucine 2394 with histidine.
Molecular consequence: missense variant.
Genome position (GRCh38, 1-based): chr17:31,343,127, T>A. VCF-style: chr17-31343127-T-A. GRCh37 (hg19) VCF-style: chr17-29670145-T-A.
Other names: c.7118T>A, p.Leu2373His (NM_000267.4); short protein forms L2373H, L2394H.
Identifiers: ClinVar variation 1408505 (VCV001408505.8), dbSNP rs1135402899, ClinGen allele CA399015772.